The following is an entry in ClinVar:

NM_015512.5(DNAH1):c.2950A>G (p.Lys984Glu)

Gene: DNAH1 (dynein axonemal heavy chain 1; plus strand). Cytogenetic location: 3p21.1.
Variant type: single nucleotide variant.
Coding change: c.2950A>G on transcript NM_015512.5 (MANE Select); coding-DNA position 2950, A replaced by G.
Protein change: p.Lys984Glu; replaces lysine 984 with glutamic acid.
Molecular consequence: missense variant.
Genome position (GRCh38, 1-based): chr3:52,352,630, A>G. VCF-style: chr3-52352630-A-G. GRCh37 (hg19) VCF-style: chr3-52386646-A-G.
Other names: c.2950A>G (NM_015512.4); short protein forms K984E.
Identifiers: ClinVar variation 1056703 (VCV001056703.5), dbSNP rs199732339, ClinGen allele CA2433441.

ClinVar aggregate classification (germline): Uncertain significance. Review status: criteria provided, multiple submitters, no conflicts (2 of 4 stars). 2 submissions from 2 submitters: Uncertain significance (2). Last evaluated 2025-10-15.

Conditions:
Spermatogenic failure 18. Identifiers: MedGen C4539783, MONDO:0054615, OMIM 617576.
Ciliary dyskinesia, primary, 37 (CILD37). Also called: CILIARY DYSKINESIA, PRIMARY, 37, WITH OR WITHOUT SITUS INVERSUS. Identifiers: MedGen C4539798, MONDO:0033204, OMIM 617577.

Allele frequency attached by ClinVar (database versions not stated): gnomAD exomes 0.00008 and 0.00005; TOPMed 0.00003; ESP Exome Variant Server 0.00008; gnomAD 0.00003; ExAC 0.00008.
gnomAD v4.1: 73 of 1,612,254 alleles (0.0045%); highest among the groups gnomAD compares: Non-Finnish European, 0.0037%; no homozygotes.

Submissions (2):

Ambry Genetics
Classification: Uncertain significance. Last evaluated: 2025-10-15. Review status: criteria provided, single submitter. Criteria: Ambry Variant Classification Scheme 2023. Collection method: clinical testing. Allele origin: germline.
Comment: The c.2950A>G (p.K984E) alteration is located in exon 18 (coding exon 17) of the DNAH1 gene. This alteration results from a A to G substitution at nucleotide position 2950, causing the lysine (K) at amino acid position 984 to be replaced by a glutamic acid (E). Based on data from gnomAD, the G allele has an overall frequency of 0.008% (21/280308) total alleles studied. The highest observed frequency was 0.052% (13/25016) of European (Finnish) alleles. Based on insufficient or conflicting evidence, the clinical significance of this alteration remains unclear.

Labcorp Genetics (formerly Invitae), Labcorp
Classification: Uncertain significance for Ciliary dyskinesia, primary, 37; Spermatogenic failure 18. Last evaluated: 2022-10-31. Review status: criteria provided, single submitter. Criteria: Invitae Variant Classification Sherloc (09022015). Collection method: clinical testing. Allele origin: germline.
Comment: This sequence change replaces lysine, which is basic and polar, with glutamic acid, which is acidic and polar, at codon 984 of the DNAH1 protein (p.Lys984Glu). This variant is present in population databases (rs199732339, gnomAD 0.05%). This variant has not been reported in the literature in individuals affected with DNAH1-related conditions. ClinVar contains an entry for this variant (Variation ID: 1056703). Advanced modeling of protein sequence and biophysical properties (such as structural, functional, and spatial information, amino acid conservation, physicochemical variation, residue mobility, and thermodynamic stability) performed at Invitae indicates that this missense variant is not expected to disrupt DNAH1 protein function. In summary, the available evidence is currently insufficient to determine the role of this variant in disease. Therefore, it has been classified as a Variant of Uncertain Significance.